The following is an entry in ClinVar:

NM_001194998.2(CEP152):c.3416C>G (p.Ala1139Gly)

Gene: CEP152 (centrosomal protein 152; minus strand). Cytogenetic location: 15q21.1.
Variant type: single nucleotide variant.
Coding change: c.3416C>G on transcript NM_001194998.2 (MANE Select); coding-DNA position 3416, C replaced by G.
Protein change: p.Ala1139Gly; replaces alanine 1139 with glycine.
Molecular consequence: missense variant.
Genome position (GRCh38, 1-based): chr15:48,752,399, G>C on the plus strand (C>G on the coding strand, the complement: CEP152 is on the minus strand). VCF-style: chr15-48752399-G-C. GRCh37 (hg19) VCF-style: chr15-49044596-G-C.
Other names: c.3416C>G, p.Ala1139Gly (NM_014985.4); short protein forms A1139G.
Identifiers: ClinVar variation 3772280 (VCV003772280.13).

ClinVar aggregate classification (germline): Uncertain significance (1 of 4 stars; one submission).

gnomAD v4.1: 1 of 1,614,012 alleles (0.000062%); highest among the groups gnomAD compares: African/African-American, 0.0013%; no homozygotes.

Submission:

CeGaT Center for Human Genetics Tuebingen
Classification: Uncertain significance. Last evaluated: 2025-01-01. Review status: criteria provided, single submitter. Criteria: CeGaT Center For Human Genetics Tuebingen Variant Classification Criteria Version 2. Collection method: clinical testing. Allele origin: germline. Affected: yes. Observed: 1 variant allele.
Comment: CEP152: PM2, BP4